The following is an entry in ClinVar:

NM_003954.5(MAP3K14):c.2576A>G (p.Asn859Ser)

Genes: MAP3K14 (mitogen-activated protein kinase kinase kinase 14; minus strand), MAP3K14-AS1 (MAP3K14 antisense RNA 1; plus strand). Cytogenetic location: 17q21.31.
Variant type: single nucleotide variant.
Coding change: c.2576A>G on transcript NM_003954.5 (MANE Select); coding-DNA position 2576, A replaced by G.
Protein change: p.Asn859Ser; replaces asparagine 859 with serine.
Molecular consequence: missense variant.
Genome position (GRCh38, 1-based): chr17:45,266,539, T>C on the plus strand (A>G on the coding strand, the complement: MAP3K14 is on the minus strand). VCF-style: chr17-45266539-T-C. GRCh37 (hg19) VCF-style: chr17-43343906-T-C.
Other names: short protein forms N859S.
Identifiers: ClinVar variation 1991306 (VCV001991306.4), dbSNP rs371527687, ClinGen allele CA8613844.

ClinVar aggregate classification (germline): Uncertain significance (1 of 4 stars; one submission).

Conditions:
NIK deficiency. Also called: Primary immunodeficiency with multifaceted aberrant lymphoid immunity. Identifiers: Orphanet 447731, MedGen C5680065, MONDO:0018642.

Allele frequency attached by ClinVar (database versions not stated): gnomAD exomes 0.00001; TOPMed 0.00001; ExAC 0.00002; ESP Exome Variant Server 0.00008; gnomAD 0.00001.
gnomAD v4.1: 15 of 1,612,030 alleles (0.00093%); highest among the groups gnomAD compares: African/African-American, 0.0027%; no homozygotes.

Submission:

Labcorp Genetics (formerly Invitae), Labcorp
Classification: Uncertain significance for NIK deficiency. Last evaluated: 2024-12-16. Review status: criteria provided, single submitter. Criteria: Invitae Variant Classification Sherloc (09022015). Collection method: clinical testing. Allele origin: germline.
Comment: This sequence change replaces asparagine, which is neutral and polar, with serine, which is neutral and polar, at codon 859 of the MAP3K14 protein (p.Asn859Ser). This variant is present in population databases (rs371527687, gnomAD 0.008%). This variant has not been reported in the literature in individuals affected with MAP3K14-related conditions. ClinVar contains an entry for this variant (Variation ID: 1991306). Experimental studies and prediction algorithms are not available or were not evaluated, and the functional significance of this variant is currently unknown. Algorithms developed to predict the effect of sequence changes on RNA splicing suggest that this variant may disrupt the consensus splice site. In summary, the available evidence is currently insufficient to determine the role of this variant in disease. Therefore, it has been classified as a Variant of Uncertain Significance.